The following is an entry in ClinVar:

ClinVar aggregate classification (germline): Conflicting classifications of pathogenicity. Review status: criteria provided, conflicting classifications (1 of 4 stars). 4 submissions from 4 submitters: Uncertain significance (2); Benign (1); Likely benign (1). Last evaluated 2026-01-27.

Conditions:
Inborn genetic diseases. Identifiers: MedGen C0950123, MeSH D030342.

Allele frequency attached by ClinVar (database versions not stated): gnomAD 0.00001; gnomAD exomes 0.00001; ExAC 0.00003; 1000 Genomes Project 30x 0.00016; 1000 Genomes Project 0.00020.
gnomAD v4.1: 4 of 1,612,522 alleles (0.00025%); highest among the groups gnomAD compares: East Asian, 0.0022%; no homozygotes.

Submissions (4):

GeneDx
Classification: Uncertain significance. Last evaluated: 2026-01-27. Review status: criteria provided, single submitter. Criteria: GeneDx Variant Classification Process June 2021. Collection method: clinical testing. Allele origin: germline. Affected: yes.
Comment: Not observed at significant frequency in large population cohorts (gnomAD); In silico analysis suggests that this missense variant does not alter protein structure/function; Not located in the triple helical region, where the majority of pathogenic missense variants occur (HGMD; PMID: 25240749); Has not been previously published as pathogenic or benign to our knowledge; This variant is associated with the following publications: (PMID: 25240749)

CeGaT Center for Human Genetics Tuebingen
Classification: Likely benign. Last evaluated: 2025-06-01. Review status: criteria provided, single submitter. Criteria: CeGaT Center For Human Genetics Tuebingen Variant Classification Criteria Version 2. Collection method: clinical testing. Allele origin: germline. Affected: yes. Observed: 1 variant allele.
Comment: COL11A1: BP4

Ambry Genetics
Classification: Uncertain significance for Inborn genetic diseases. Last evaluated: 2024-04-24. Review status: criteria provided, single submitter. Criteria: Ambry Variant Classification Scheme 2023. Collection method: clinical testing. Allele origin: germline.

Labcorp Genetics (formerly Invitae), Labcorp
Classification: Benign. Last evaluated: 2023-10-05. Review status: criteria provided, single submitter. Criteria: Invitae Variant Classification Sherloc (09022015). Collection method: clinical testing. Allele origin: germline.

NM_001854.4(COL11A1):c.352A>G (p.Ile118Val)

Gene: COL11A1 (collagen type XI alpha 1 chain; minus strand). Cytogenetic location: 1p21.1.
Variant type: single nucleotide variant.
Coding change: c.352A>G on transcript NM_001854.4 (MANE Select); coding-DNA position 352, A replaced by G.
Protein change: p.Ile118Val; replaces isoleucine 118 with valine.
Molecular consequence: missense variant. On other transcripts: non-coding transcript variant (1).
Genome position (GRCh38, 1-based): chr1:103,078,794, T>C on the plus strand (A>G on the coding strand, the complement: COL11A1 is on the minus strand). VCF-style: chr1-103078794-T-C. GRCh37 (hg19) VCF-style: chr1-103544350-T-C.
Other names: c.352A>G, p.Ile118Val (NM_001168249.1, NM_001190709.2, NM_080629.3 and 1 more transcripts); short protein forms I118V.
Identifiers: ClinVar variation 1806730 (VCV001806730.17), dbSNP rs202212358, ClinGen allele CA975475.
Genomic context (GRCh38, chr1:103,078,794, plus strand): 5'-GAAAAACAGGTGATCTCCCAACCTCAACACCAATTTGCTGAATACCATGCTCATTATATA[T>C]AGATAAAAGGAAAGACTGAATTCCTTTTTTTGGTTTTACTGTAAATAGTATTGAAAAGTC-3'
Protein context (NP_001845.3, residues 108-128): KKGIQSFLLS[Ile118Val]YNEHGIQQIG